The following is an entry in ClinVar:

ClinVar aggregate classification (germline): Uncertain significance. Review status: criteria provided, multiple submitters, no conflicts (2 of 4 stars). 2 submissions from 2 submitters: Uncertain significance (2). Last evaluated 2024-01-08.

Conditions:
Long QT syndrome (LQTS). Identifiers: MedGen C0023976, MeSH D008133, MONDO:0002442. Disease mechanism: loss of function. Inheritance: Various modes of inheritance.
Progressive familial heart block type IB (PFHB1B). Identifiers: Orphanet 871, MedGen C1970298, MONDO:0011474, OMIM 604559.

Submissions (2):

Dept of Medical Biology, Uskudar University
Classification: Uncertain significance for Long QT syndrome. Last evaluated: 2024-01-08. Review status: criteria provided, single submitter. Criteria: Dept of Medical Biology Variant Classification. Collection method: research. Allele origin: maternal. Affected: yes. Observed: 1 variant allele.
Comment: Criteria: PM2, BP4

Labcorp Genetics (formerly Invitae), Labcorp
Classification: Uncertain significance for Progressive familial heart block type IB. Last evaluated: 2023-11-27. Review status: criteria provided, single submitter. Criteria: Invitae Variant Classification Sherloc (09022015). Collection method: clinical testing. Allele origin: germline.
Comment: This sequence change replaces leucine, which is neutral and non-polar, with valine, which is neutral and non-polar, at codon 1113 of the TRPM4 protein (p.Leu1113Val). This variant is not present in population databases (gnomAD no frequency). This variant has not been reported in the literature in individuals affected with TRPM4-related conditions. ClinVar contains an entry for this variant (Variation ID: 222855). An algorithm developed to predict the effect of missense changes on protein structure and function (PolyPhen-2) suggests that this variant is likely to be disruptive. In summary, the available evidence is currently insufficient to determine the role of this variant in disease. Therefore, it has been classified as a Variant of Uncertain Significance.

NM_017636.4(TRPM4):c.3337C>G (p.Leu1113Val)

Gene: TRPM4 (transient receptor potential cation channel subfamily M member 4; plus strand). Cytogenetic location: 19q13.33.
Variant type: single nucleotide variant.
Coding change: c.3337C>G on transcript NM_017636.4 (MANE Select); coding-DNA position 3337, C replaced by G.
Protein change: p.Leu1113Val; replaces leucine 1113 with valine.
Molecular consequence: missense variant.
Genome position (GRCh38, 1-based): chr19:49,210,718, C>G. VCF-style: chr19-49210718-C-G. GRCh37 (hg19) VCF-style: chr19-49713975-C-G.
Other names: c.2902C>G, p.Leu968Val (NM_001195227.2); c.2992C>G, p.Leu998Val (NM_001321281.2); c.1729C>G, p.Leu577Val (NM_001321282.2); c.2815C>G, p.Leu939Val (NM_001321283.2); c.2275C>G, p.Leu759Val (NM_001321285.2); short protein forms L1113V, L577V, L759V, L939V, L968V, L998V.
Identifiers: ClinVar variation 222855 (VCV000222855.9), dbSNP rs780954126, ClinGen allele CA068501.
Genomic context (GRCh38, chr19:49,210,718, plus strand): 5'-GGGATTGGGAAGGGGCGTGGCCTGAGCCCTTTGACTCCGCCCGCCCCTGCAGGGGTTTAC[C>G]TTTCTAAGGAAGCCGAGCGGAAGCTGCTAACGTGGGAATCGGTGCATAAGGAGAACTTTC-3'
Protein context (NP_060106.2, residues 1103-1123): SPALEHFRVY[Leu1113Val]SKEAERKLLT